The following is an entry in ClinVar:

ClinVar aggregate classification (germline): Uncertain significance (1 of 4 stars; one submission).

Allele frequency attached by ClinVar (database versions not stated): gnomAD exomes below 0.00001; gnomAD 0.00001; TOPMed 0.00002.

Submission:

Labcorp Genetics (formerly Invitae), Labcorp
Classification: Uncertain significance. Last evaluated: 2022-10-17. Review status: criteria provided, single submitter. Criteria: Invitae Variant Classification Sherloc (09022015). Collection method: clinical testing. Allele origin: germline.
Comment: The frequency data for this variant in the population databases is considered unreliable, as metrics indicate poor data quality at this position in the gnomAD database. In summary, the available evidence is currently insufficient to determine the role of this variant in disease. Therefore, it has been classified as a Variant of Uncertain Significance. Variants that disrupt the consensus splice site are a relatively common cause of aberrant splicing (PMID: 17576681, 9536098). Algorithms developed to predict the effect of sequence changes on RNA splicing suggest that this variant may create or strengthen a splice site. ClinVar contains an entry for this variant (Variation ID: 1476856). This variant has not been reported in the literature in individuals affected with SAMD11-related conditions. This sequence change falls in intron 13 of the SAMD11 gene. It does not directly change the encoded amino acid sequence of the SAMD11 protein. It affects a nucleotide within the consensus splice site.

Literature cited by the submitters: PubMed 17576681; PubMed 9536098.

NM_001385641.1(SAMD11):c.2289+5G>A

Gene: SAMD11 (sterile alpha motif domain containing 11; plus strand). Cytogenetic location: 1p36.33.
Variant type: single nucleotide variant.
Coding change: c.2289+5G>A on transcript NM_001385641.1 (MANE Select); 5 bases into the intron after coding-DNA position 2289, G replaced by A.
Molecular consequence: intron variant.
Genome position (GRCh38, 1-based): chr1:943,813, G>A. VCF-style: chr1-943813-G-A. GRCh37 (hg19) VCF-style: chr1-879193-G-A.
Other names: c.2292+5G>A (NM_001385640.1); c.1800+5G>A (NM_152486.4).
Identifiers: ClinVar variation 1476856 (VCV001476856.6), dbSNP rs1302122905, ClinGen allele CA520638542.
Genomic context (GRCh38, chr1:943,813, plus strand): 5'-ACCTGCTGACCAACATGGGGCTGAAGCTGGGGCCCGCCCTCAAGATCCGGGCCCAGGTGA[G>A]ACGCTGGGGAGTGAGGTCAGGGTCTCCAGACCACAGCTGGGCAGAAAGCTCTGGGTGGGT-3'